The following is an entry in ClinVar:

ClinVar aggregate classification (germline): Uncertain significance (1 of 4 stars; one submission).

Submission:

Labcorp Genetics (formerly Invitae), Labcorp
Classification: Uncertain significance. Last evaluated: 2024-11-11. Review status: criteria provided, single submitter. Criteria: Invitae Variant Classification Sherloc (09022015). Collection method: clinical testing. Allele origin: germline.
Comment: This sequence change replaces aspartic acid, which is acidic and polar, with glycine, which is neutral and non-polar, at codon 421 of the SLC1A2 protein (p.Asp421Gly). This variant is present in population databases (rs767672244, gnomAD 0.002%). This variant has not been reported in the literature in individuals affected with SLC1A2-related conditions. Invitae Evidence Modeling of protein sequence and biophysical properties (such as structural, functional, and spatial information, amino acid conservation, physicochemical variation, residue mobility, and thermodynamic stability) indicates that this missense variant is not expected to disrupt SLC1A2 protein function with a negative predictive value of 80%. In summary, the available evidence is currently insufficient to determine the role of this variant in disease. Therefore, it has been classified as a Variant of Uncertain Significance.

NM_004171.4(SLC1A2):c.1262A>G (p.Asp421Gly)

Gene: SLC1A2 (solute carrier family 1 member 2; minus strand). Cytogenetic location: 11p13.
Variant type: single nucleotide variant.
Coding change: c.1262A>G on transcript NM_004171.4 (MANE Select); coding-DNA position 1262, A replaced by G.
Protein change: p.Asp421Gly; replaces aspartic acid 421 with glycine.
Molecular consequence: missense variant.
Genome position (GRCh38, 1-based): chr11:35,286,781, T>C on the plus strand (A>G on the coding strand, the complement: SLC1A2 is on the minus strand). VCF-style: chr11-35286781-T-C. GRCh37 (hg19) VCF-style: chr11-35308328-T-C.
Other names: c.1235A>G, p.Asp412Gly (NM_001195728.3, NM_001252652.2); short protein forms D412G, D421G.
Identifiers: ClinVar variation 3608385 (VCV003608385.2).